The following is an entry in ClinVar:

ClinVar aggregate classification (germline): Uncertain significance (1 of 4 stars; one submission).

Submission:

Ambry Genetics
Classification: Uncertain significance. Last evaluated: 2025-09-24. Review status: criteria provided, single submitter. Criteria: Ambry Variant Classification Scheme 2023. Collection method: clinical testing. Allele origin: germline.
Comment: The c.1031G>T (p.G344V) alteration is located in exon 7 (coding exon 7) of the PRKD1 gene. This alteration results from a G to T substitution at nucleotide position 1031, causing the glycine (G) at amino acid position 344 to be replaced by a valine (V). Based on data from gnomAD, the T allele has an overall frequency of 0.003% (1/31402) total alleles studied. The highest observed frequency was 0.012% (1/8714) of African alleles. Based on insufficient or conflicting evidence, the clinical significance of this alteration remains unclear.

NM_002742.3(PRKD1):c.1031G>T (p.Gly344Val)

Gene: PRKD1 (protein kinase D1; minus strand). Cytogenetic location: 14q12.
Variant type: single nucleotide variant.
Coding change: c.1031G>T on transcript NM_002742.3 (MANE Select); coding-DNA position 1031, G replaced by T.
Protein change: p.Gly344Val; replaces glycine 344 with valine.
Molecular consequence: missense variant.
Genome position (GRCh38, 1-based): chr14:29,636,449, C>A on the plus strand (G>T on the coding strand, the complement: PRKD1 is on the minus strand). VCF-style: chr14-29636449-C-A. GRCh37 (hg19) VCF-style: chr14-30105655-C-A.
Other names: c.1055G>T, p.Gly352Val (NM_001330069.2); c.767G>T, p.Gly256Val (NM_001348390.1); short protein forms G256V, G352V, G344V.
Identifiers: ClinVar variation 4572101 (VCV004572101.1).
Genomic context (GRCh38, chr14:29,636,449, plus strand): 5'-ATTGCTTCTTCCATATCATCCATGAGCCCACTGTTCCTTTCACTATCATTGTCATCACTC[C>A]CTTCTTCCATGACCACATCAGACTCTGCCCCAGGGCTAAGCAAATCTAGAAAATTATTTT-3'
Protein context (NP_002733.2, residues 334-354): GAESDVVMEE[Gly344Val]SDDNDSERNS